The following is an entry in ClinVar:

NM_002519.3(NPAT):c.934A>C (p.Ile312Leu)

Gene: NPAT (nuclear protein, coactivator of histone transcription; minus strand). Cytogenetic location: 11q22.3.
Variant type: single nucleotide variant.
Coding change: c.934A>C on transcript NM_002519.3 (MANE Select); coding-DNA position 934, A replaced by C.
Protein change: p.Ile312Leu; replaces isoleucine 312 with leucine.
Molecular consequence: missense variant.
Genome position (GRCh38, 1-based): chr11:108,177,063, T>G on the plus strand (A>C on the coding strand, the complement: NPAT is on the minus strand). VCF-style: chr11-108177063-T-G. GRCh37 (hg19) VCF-style: chr11-108047790-T-G.
Other names: c.934A>C, p.Ile312Leu (NM_001321307.1); short protein forms I312L.
Identifiers: ClinVar variation 1766645 (VCV001766645.2), dbSNP rs769067898, ClinGen allele CA6264124.

ClinVar aggregate classification (germline): Uncertain significance (1 of 4 stars; one submission).

Allele frequency attached by ClinVar (database versions not stated): gnomAD 0.00001; TOPMed 0.00001; ExAC 0.00007.
gnomAD v4.1: 11 of 1,612,650 alleles (0.00068%); highest among the groups gnomAD compares: Admixed American, 0.017%; no homozygotes.

Submission:

Ambry Genetics
Classification: Uncertain significance. Last evaluated: 2024-03-21. Review status: criteria provided, single submitter. Criteria: Ambry Variant Classification Scheme 2023. Collection method: clinical testing. Allele origin: germline.
Comment: The p.I312L variant (also known as c.934A>C), located in coding exon 11 of the NPAT gene, results from an A to C substitution at nucleotide position 934. The isoleucine at codon 312 is replaced by leucine, an amino acid with highly similar properties. This amino acid position is conserved. In addition, this alteration is predicted to be tolerated by in silico analysis. Since supporting evidence is limited at this time, the clinical significance of this alteration remains unclear.